The following is an entry in ClinVar:

ClinVar aggregate classification (germline): Likely pathogenic (1 of 4 stars; one submission).

Submission:

Labcorp Genetics (formerly Invitae), Labcorp
Classification: Likely pathogenic. Last evaluated: 2024-03-20. Review status: criteria provided, single submitter. Criteria: Invitae Variant Classification Sherloc (09022015). Collection method: clinical testing. Allele origin: germline.
Comment: This sequence change affects a donor splice site in intron 14 of the ERCC2 gene. It is expected to disrupt RNA splicing. Variants that disrupt the donor or acceptor splice site typically lead to a loss of protein function (PMID: 16199547), and loss-of-function variants in ERCC2 are known to be pathogenic (PMID: 9238033, 11335038, 19085937, 19934020). This variant is not present in population databases (gnomAD no frequency). This variant has not been reported in the literature in individuals affected with ERCC2-related conditions. Algorithms developed to predict the effect of sequence changes on RNA splicing suggest that this variant may disrupt the consensus splice site. In summary, the currently available evidence indicates that the variant is pathogenic, but additional data are needed to prove that conclusively. Therefore, this variant has been classified as Likely Pathogenic.

Literature cited by the submitters: PubMed 16199547; PubMed 9238033; PubMed 11335038; PubMed 19085937; PubMed 19934020.

NM_000400.4(ERCC2):c.1377+1G>A

Gene: ERCC2 (ERCC excision repair 2, TFIIH core complex helicase subunit; minus strand). Cytogenetic location: 19q13.32.
Variant type: single nucleotide variant.
Coding change: c.1377+1G>A on transcript NM_000400.4 (MANE Select); the canonical splice donor site of the intron after coding-DNA position 1377, G replaced by A.
Molecular consequence: splice donor variant.
Genome position (GRCh38, 1-based): chr19:45,357,473, C>T on the plus strand (G>A on the coding strand, the complement: ERCC2 is on the minus strand). VCF-style: chr19-45357473-C-T. GRCh37 (hg19) VCF-style: chr19-45860731-C-T.
Identifiers: ClinVar variation 3719557 (VCV003719557.2).
Genomic context (GRCh38, chr19:45,357,473, plus strand): 5'-GGGACCAGGAGGCCCATGGAGGGAGGTCAGGGACTAGGAGGGGACGGGGAAGGGTCCTTA[C>T]CCCAGATGTGATGATGACAGACTGGAAACGCTCAAATACGGGTTTGATGGCCAGCGAGGC-3'